The following is an entry in ClinVar:

NM_130811.4(SNAP25):c.22C>T (p.Arg8Cys)

Gene: SNAP25 (synaptosome associated protein 25; plus strand). Cytogenetic location: 20p12.2.
Variant type: single nucleotide variant.
Coding change: c.22C>T on transcript NM_130811.4 (MANE Select); coding-DNA position 22, C replaced by T.
Protein change: p.Arg8Cys; replaces arginine 8 with cysteine.
Molecular consequence: missense variant.
Genome position (GRCh38, 1-based): chr20:10,275,513, C>T. VCF-style: chr20-10275513-C-T. GRCh37 (hg19) VCF-style: chr20-10256161-C-T.
Other names: p.Arg8Cys; c.22C>T, p.Arg8Cys (NM_001322902.2, NM_001322903.2, NM_001322904.2 and 9 more transcripts); short protein forms R8C.
Identifiers: ClinVar variation 3380652 (VCV003380652.1).
Genomic context (GRCh38, chr20:10,275,513, plus strand): 5'-CCCCCCAGCCCAGGCGCCCAGCCACTCCCCACCGCTACCATGGCCGAAGACGCAGACATG[C>T]GCAATGAGCTGGAGGAGATGCAGCGAAGGGCTGACCAGTTGGCTGATGAGGTAAGGAGTG-3'
Protein context (NP_570824.1, residues 1-18): MAEDADM[Arg8Cys]NELEEMQRRA

ClinVar aggregate classification (germline): Uncertain significance (1 of 4 stars; one submission).

Submission:

Mayo Clinic Laboratories, Mayo Clinic
Classification: Uncertain significance. Last evaluated: 2024-02-14. Review status: criteria provided, single submitter. Criteria: ACMG Guidelines, 2015. Collection method: clinical testing. Allele origin: germline. Observed: 1 variant allele.
Comment: BS2, PP2